The following is an entry in ClinVar:

ClinVar aggregate classification (germline): Uncertain significance. Review status: criteria provided, multiple submitters, no conflicts (2 of 4 stars). 2 submissions from 2 submitters: Uncertain significance (2). Last evaluated 2026-01-10.

Conditions:
POLD1-related polyposis and colorectal cancer syndrome (CRCS10). Also called: Colorectal cancer 10; COLORECTAL CANCER, SUSCEPTIBILITY TO, ON CHROMOSOME 19q; Colorectal cancer, susceptibility to, 10. Identifiers: Orphanet 220460, MedGen C2675481, MONDO:0012953, OMIM 612591.
Hereditary cancer-predisposing syndrome. Also called: Neoplastic Syndromes, Hereditary; Tumor predisposition; Hereditary Cancer Syndrome; Hereditary neoplastic syndrome. Identifiers: Orphanet 140162, MedGen C0027672, MeSH D009386, MONDO:0015356.

Submissions (2):

Ambry Genetics
Classification: Uncertain significance for Hereditary cancer-predisposing syndrome. Last evaluated: 2026-01-10. Review status: criteria provided, single submitter. Criteria: Ambry Variant Classification Scheme 2023. Collection method: clinical testing. Allele origin: germline.
Comment: The p.R990P variant (also known as c.2969G>C), located in coding exon 23 of the POLD1 gene, results from a G to C substitution at nucleotide position 2969. The arginine at codon 990 is replaced by proline, an amino acid with dissimilar properties. This amino acid position is conserved. In addition, the in silico prediction for this alteration is inconclusive. Based on the available evidence, the clinical significance of this variant remains unclear.

Labcorp Genetics (formerly Invitae), Labcorp
Classification: Uncertain significance for POLD1-related polyposis and colorectal cancer syndrome. Last evaluated: 2023-03-16. Review status: criteria provided, single submitter. Criteria: Invitae Variant Classification Sherloc (09022015). Collection method: clinical testing. Allele origin: germline.
Comment: In summary, the available evidence is currently insufficient to determine the role of this variant in disease. Therefore, it has been classified as a Variant of Uncertain Significance. Advanced modeling of protein sequence and biophysical properties (such as structural, functional, and spatial information, amino acid conservation, physicochemical variation, residue mobility, and thermodynamic stability) has been performed at Invitae for this missense variant, however the output from this modeling did not meet the statistical confidence thresholds required to predict the impact of this variant on POLD1 protein function. This variant has not been reported in the literature in individuals affected with POLD1-related conditions. This variant is not present in population databases (gnomAD no frequency). This sequence change replaces arginine, which is basic and polar, with proline, which is neutral and non-polar, at codon 990 of the POLD1 protein (p.Arg990Pro).

NM_002691.4(POLD1):c.2969G>C (p.Arg990Pro)

Gene: POLD1 (DNA polymerase delta 1, catalytic subunit; plus strand). Cytogenetic location: 19q13.33.
Variant type: single nucleotide variant.
Coding change: c.2969G>C on transcript NM_002691.4 (MANE Select); coding-DNA position 2969, G replaced by C.
Protein change: p.Arg990Pro; replaces arginine 990 with proline.
Molecular consequence: missense variant. On other transcripts: non-coding transcript variant (1).
Genome position (GRCh38, 1-based): chr19:50,416,625, G>C. VCF-style: chr19-50416625-G-C. GRCh37 (hg19) VCF-style: chr19-50919882-G-C.
Other names: c.2969G>C (NM_002691.2); c.2969G>C, p.Arg990Pro (NM_001256849.1); c.3047G>C, p.Arg1016Pro (NM_001308632.1); short protein forms R1016P, R990P.
Identifiers: ClinVar variation 2894543 (VCV002894543.4), dbSNP rs771789997, ClinGen allele CA406986827.